The following is an entry in ClinVar:

NM_004370.6(COL12A1):c.3493G>A (p.Glu1165Lys)

Gene: COL12A1 (collagen type XII alpha 1 chain; minus strand). Cytogenetic location: 6q13.
Variant type: single nucleotide variant.
Coding change: c.3493G>A on transcript NM_004370.6 (MANE Select); coding-DNA position 3493, G replaced by A.
Protein change: p.Glu1165Lys; replaces glutamic acid 1165 with lysine.
Molecular consequence: missense variant. On other transcripts: intron variant (1).
Genome position (GRCh38, 1-based): chr6:75,154,488, C>T on the plus strand (G>A on the coding strand, the complement: COL12A1 is on the minus strand). VCF-style: chr6-75154488-C-T. GRCh37 (hg19) VCF-style: chr6-75864204-C-T.
Other names: c.74-2006G>A (NM_080645.3); short protein forms E1165K.
Identifiers: ClinVar variation 1714764 (VCV001714764.6), dbSNP rs2533413117, ClinGen allele CA364751328.

ClinVar aggregate classification (germline): Uncertain significance (1 of 4 stars; one submission).

Conditions:
Ullrich congenital muscular dystrophy 2 (UCMD2). Identifiers: Orphanet 75840, MedGen C4225314, MONDO:0014654, OMIM 616470.
Bethlem myopathy 2 (BTHLM2). Identifiers: Orphanet 536516, Orphanet 610, MedGen C4225313, MONDO:0034022, OMIM 616471.

Submission:

Labcorp Genetics (formerly Invitae), Labcorp
Classification: Uncertain significance for Bethlem myopathy 2; Ullrich congenital muscular dystrophy 2. Last evaluated: 2022-08-02. Review status: criteria provided, single submitter. Criteria: Invitae Variant Classification Sherloc (09022015). Collection method: clinical testing. Allele origin: germline.
Comment: This sequence change replaces glutamic acid, which is acidic and polar, with lysine, which is basic and polar, at codon 1165 of the COL12A1 protein (p.Glu1165Lys). This variant is not present in population databases (gnomAD no frequency). This variant has not been reported in the literature in individuals affected with COL12A1-related conditions. Algorithms developed to predict the effect of missense changes on protein structure and function are either unavailable or do not agree on the potential impact of this missense change (SIFT: "Deleterious"; PolyPhen-2: "Probably Damaging"; Align-GVGD: "Class C0"). In summary, the available evidence is currently insufficient to determine the role of this variant in disease. Therefore, it has been classified as a Variant of Uncertain Significance.